The following is an entry in ClinVar:

ClinVar aggregate classification (germline): Likely benign. Review status: criteria provided, multiple submitters, no conflicts (2 of 4 stars). 2 submissions from 2 submitters: Likely benign (2). Last evaluated 2025-10-01.

Submissions (2):

Labcorp Genetics (formerly Invitae), Labcorp
Classification: Likely benign. Last evaluated: 2025-10-01. Review status: criteria provided, single submitter. Criteria: Invitae Variant Classification Sherloc (09022015). Collection method: clinical testing. Allele origin: germline.

Laboratorio de Genetica e Diagnostico Molecular, Hospital Israelita Albert Einstein
Classification: Likely benign. Last evaluated: 2020-07-01. Review status: criteria provided, single submitter. Criteria: ACMG Guidelines, 2015. Collection method: clinical testing. Allele origin: germline. Affected: yes.
Comment: ACMG classification criteria: PM2, BP1, BP4

NM_006734.4(HIVEP2):c.5398A>G (p.Ile1800Val)

Gene: HIVEP2 (HIVEP zinc finger 2; minus strand). Cytogenetic location: 6q24.2.
Variant type: single nucleotide variant.
Coding change: c.5398A>G on transcript NM_006734.4 (MANE Select); coding-DNA position 5398, A replaced by G.
Protein change: p.Ile1800Val; replaces isoleucine 1800 with valine.
Molecular consequence: missense variant.
Genome position (GRCh38, 1-based): chr6:142,764,919, T>C on the plus strand (A>G on the coding strand, the complement: HIVEP2 is on the minus strand). VCF-style: chr6-142764919-T-C. GRCh37 (hg19) VCF-style: chr6-143086056-T-C.
Other names: short protein forms I1800V.
Identifiers: ClinVar variation 1690909 (VCV001690909.7), dbSNP rs2114628187, ClinGen allele CA365891588.